The following is an entry in ClinVar:

NM_000548.5(TSC2):c.4418A>G (p.Lys1473Arg)

Gene: TSC2 (TSC complex subunit 2; plus strand). Cytogenetic location: 16p13.3.
Variant type: single nucleotide variant.
Coding change: c.4418A>G on transcript NM_000548.5 (MANE Select); coding-DNA position 4418, A replaced by G.
Protein change: p.Lys1473Arg; replaces lysine 1473 with arginine.
Molecular consequence: missense variant.
Genome position (GRCh38, 1-based): chr16:2,084,640, A>G. VCF-style: chr16-2084640-A-G. GRCh37 (hg19) VCF-style: chr16-2134641-A-G.
Other names: c.4418A>G (NM_000548.4); c.4217A>G, p.Lys1406Arg (NM_001077183.3); c.4349A>G, p.Lys1450Arg (NM_001114382.3); c.4109A>G, p.Lys1370Arg (NM_001318827.2); c.4073A>G, p.Lys1358Arg (NM_001318829.2); c.3686A>G, p.Lys1229Arg (NM_001318831.2); c.4250A>G, p.Lys1417Arg (NM_001318832.2); c.4220A>G, p.Lys1407Arg (NM_001363528.2); and 2 more; short protein forms K1473R, K1229R, K1417R, K1430R, K1358R, K1370R, K1406R, K1407R.
Identifiers: ClinVar variation 571006 (VCV000571006.20), dbSNP rs1219556604, ClinGen allele CA394302120.

ClinVar aggregate classification (germline): Conflicting classifications of pathogenicity. Review status: criteria provided, conflicting classifications (1 of 4 stars). 7 submissions from 7 submitters: Uncertain significance (3); Benign (2); Likely benign (2). Last evaluated 2025-12-24.

Conditions:
Vesicoureteral reflux 8 (VUR8). Identifiers: Orphanet 289365, MedGen C4014831, MONDO:0014422, OMIM 615963.
Hereditary cancer-predisposing syndrome. Also called: Hereditary neoplastic syndrome; Neoplastic Syndromes, Hereditary; Hereditary Cancer Syndrome; Tumor predisposition. Identifiers: Orphanet 140162, MedGen C0027672, MeSH D009386, MONDO:0015356.
Tuberous sclerosis 2 (TSC2). Identifiers: Orphanet 805, MedGen C1860707, MONDO:0013199, OMIM 613254.
Tuberous sclerosis syndrome (TSC). Also called: Tuberous sclerosis; Tuberous Sclerosis Complex. Identifiers: Orphanet 805, MedGen C0041341, MONDO:0001734.

Allele frequency attached by ClinVar (database versions not stated): TOPMed below 0.00001; gnomAD exomes 0.00001 and 0.00002.
gnomAD v4.1: 5 of 1,599,912 alleles (0.00031%); highest among the groups gnomAD compares: Admixed American, 0.0083%; no homozygotes.

Submissions (7):

Labcorp Genetics (formerly Invitae), Labcorp
Classification: Benign for Tuberous sclerosis 2. Last evaluated: 2025-12-24. Review status: criteria provided, single submitter. Criteria: Invitae Variant Classification Sherloc (09022015). Collection method: clinical testing. Allele origin: germline.

Quest Diagnostics Nichols Institute San Juan Capistrano
Classification: Likely benign. Last evaluated: 2024-12-26. Review status: criteria provided, single submitter. Criteria: Quest Diagnostics criteria. Collection method: clinical testing. Allele origin: unknown.

Johns Hopkins Genomics, Johns Hopkins University
Classification: Uncertain significance for Vesicoureteral reflux 8. Last evaluated: 2024-11-25. Review status: criteria provided, single submitter. Criteria: ACMG Guidelines, 2015. Collection method: clinical testing. Allele origin: germline.
Comment: This TSC2 missense variant (rs1219556604) is rare (<0.1%) in a large population dataset (gnomAD v4.1.0 5/1599912 total alleles, 0.0003%, 0 homozygotes) and has been reported in ClinVar (Variation ID: 571006). One study showed that this variant may be important for the protein functions. Two bioinformatic tools queried predict that this substitution would be tolerated in the protein. The lysine residue at this position is evolutionary conserved across most of the species assessed however an arginine residue is present at this position in many species. We consider the clinical significance of c.4418A>G in TSC2 to be uncertain at this time.

All of Us Research Program, National Institutes of Health
Classification: Uncertain significance for Tuberous sclerosis syndrome. Last evaluated: 2023-12-01. Review status: criteria provided, single submitter. Criteria: ACMG Guidelines, 2015. Collection method: clinical testing. Allele origin: germline. Inheritance: Autosomal dominant inheritance. Observed: 3 variant alleles, 3 heterozygotes.
Comment: This study involves interpretation of variants in research participants for the purpose of population health screening. Participant phenotype was not available at the time of variant classification. Additional details can be found in publication PMID: 35346344, PMCID: PMC8962531

Ambry Genetics
Classification: Benign for Hereditary cancer-predisposing syndrome. Last evaluated: 2023-03-24. Review status: criteria provided, single submitter. Criteria: Ambry Variant Classification Scheme 2023. Collection method: clinical testing. Allele origin: germline.

Genome-Nilou Lab
Classification: Likely benign for Tuberous sclerosis 2. Last evaluated: 2021-11-07. Review status: criteria provided, single submitter. Criteria: ACMG Guidelines, 2015. Collection method: clinical testing. Allele origin: germline. Affected: no.

Athena Diagnostics
Classification: Uncertain significance. Last evaluated: 2017-10-09. Review status: criteria provided, single submitter. Criteria: Athena Diagnostics Criteria. Collection method: clinical testing. Allele origin: germline.

Literature cited by the submitters: PubMed 37670386 (cited by Johns Hopkins Genomics, Johns Hopkins University); PubMed 39028145 (cited by Johns Hopkins Genomics, Johns Hopkins University).